The following is an entry in ClinVar:

ClinVar aggregate classification (germline): Conflicting classifications of pathogenicity. Review status: criteria provided, conflicting classifications (1 of 4 stars). 3 submissions from 3 submitters: Uncertain significance (1); Likely benign (1). 1 of the submissions does not count toward it. Last evaluated 2026-02-04.

Conditions:
SMPD1-related disorder. Also called: SMPD1-related condition.
Niemann-Pick disease, type A. Also called: Infantile Neurovisceral ASMD (Niemann-Pick Disease Type A; NPD-A); SPHINGOMYELIN LIPIDOSIS; SPHINGOMYELINASE DEFICIENCY. Identifiers: Orphanet 77292, MedGen C0268242, MONDO:0009756, OMIM 257200. Disease mechanism: loss of function.
Niemann-Pick disease, type B. Also called: Chronic Visceral ASMD (Niemann-Pick Disease Type B; NPD-B). Identifiers: Orphanet 77293, MedGen C0268243, MONDO:0011871, OMIM 607616. Disease mechanism: loss of function.

Allele frequency attached by ClinVar (database versions not stated): gnomAD 0.00001 and 0.00006; TOPMed 0.00002; gnomAD exomes 0.00003 and 0.00006; ExAC 0.00005; 1000 Genomes Project 0.00020; 1000 Genomes Project 30x 0.00031.
gnomAD v4.1: 54 of 1,614,130 alleles (0.0033%); highest among the groups gnomAD compares: East Asian, 0.062%; no homozygotes.

Submissions (3):

Labcorp Genetics (formerly Invitae), Labcorp
Classification: Likely benign for Niemann-Pick disease, type B; Niemann-Pick disease, type A. Last evaluated: 2026-02-04. Review status: criteria provided, single submitter. Criteria: Invitae Variant Classification Sherloc (09022015). Collection method: clinical testing. Allele origin: germline.

Eurofins Ntd Llc (ga)
Classification: Uncertain significance. Last evaluated: 2018-02-23. Review status: criteria provided, single submitter. Criteria: EGL ClinVar v180209 classification definitions. Collection method: clinical testing. Allele origin: germline. Observed: 2 variant alleles, 2 heterozygotes.

PreventionGenetics, part of Exact Sciences
Classification: Likely benign for SMPD1-related condition. Last evaluated: 2019-07-11. Review status: no assertion criteria provided. Collection method: clinical testing. Allele origin: germline. Not counted in ClinVar's aggregate classification.
Comment: This variant is classified as likely benign based on ACMG/AMP sequence variant interpretation guidelines (Richards et al. 2015 PMID: 25741868, with internal and published modifications).

NM_000543.5(SMPD1):c.1341-9T>C

Gene: SMPD1 (sphingomyelin phosphodiesterase 1; plus strand). Cytogenetic location: 11p15.4.
Variant type: single nucleotide variant.
Coding change: c.1341-9T>C on transcript NM_000543.5 (MANE Select); 9 bases into the intron before coding-DNA position 1341, T replaced by C.
Molecular consequence: intron variant.
Genome position (GRCh38, 1-based): chr11:6,393,887, T>C. VCF-style: chr11-6393887-T-C. GRCh37 (hg19) VCF-style: chr11-6415117-T-C.
Other names: c.420-9T>C (NM_001318088.2); c.1209-9T>C (NM_001365135.2); c.1341-9T>C (NM_001318087.2); c.1338-9T>C (NM_001007593.3).
Identifiers: ClinVar variation 497294 (VCV000497294.16), dbSNP rs528939343, ClinGen allele CA5852879.